The following is an entry in ClinVar:

NM_001006658.3(CR2):c.728A>T (p.Asp243Val)

Gene: CR2 (complement C3d receptor 2; plus strand). Cytogenetic location: 1q32.2.
Variant type: single nucleotide variant.
Coding change: c.728A>T on transcript NM_001006658.3 (MANE Select); coding-DNA position 728, A replaced by T.
Protein change: p.Asp243Val; replaces aspartic acid 243 with valine.
Molecular consequence: missense variant.
Genome position (GRCh38, 1-based): chr1:207,468,893, A>T. VCF-style: chr1-207468893-A-T. GRCh37 (hg19) VCF-style: chr1-207642238-A-T.
Other names: c.728A>T, p.Asp243Val (NM_001877.5); short protein forms D243V.
Identifiers: ClinVar variation 571680 (VCV000571680.9), dbSNP rs368883636, ClinGen allele CA1368513.

ClinVar aggregate classification (germline): Uncertain significance. Review status: criteria provided, multiple submitters, no conflicts (2 of 4 stars). 3 submissions from 3 submitters: Uncertain significance (3). Last evaluated 2025-05-07.

Conditions:
Inborn genetic diseases. Identifiers: MedGen C0950123, MeSH D030342.
Immunodeficiency, common variable, 7. Identifiers: Orphanet 1572, Orphanet 696894, MedGen C3542922, MONDO:0013862, OMIM 614699.

Allele frequency attached by ClinVar (database versions not stated): gnomAD 0.00017 and 0.00016; ESP Exome Variant Server 0.00015; TOPMed 0.00027; ExAC 0.00007.
gnomAD v4.1: 51 of 1,613,478 alleles (0.0032%); highest among the groups gnomAD compares: African/African-American, 0.057%; no homozygotes.

Submissions (3):

Ambry Genetics
Classification: Uncertain significance for Inborn genetic diseases. Last evaluated: 2025-05-07. Review status: criteria provided, single submitter. Criteria: Ambry Variant Classification Scheme 2023. Collection method: clinical testing. Allele origin: germline.

Genome-Nilou Lab
Classification: Uncertain significance for Immunodeficiency, common variable, 7. Last evaluated: 2023-04-11. Review status: criteria provided, single submitter. Criteria: ACMG Guidelines, 2015. Collection method: clinical testing. Allele origin: germline. Affected: no.

Labcorp Genetics (formerly Invitae), Labcorp
Classification: Uncertain significance for Immunodeficiency, common variable, 7. Last evaluated: 2022-08-23. Review status: criteria provided, single submitter. Criteria: Invitae Variant Classification Sherloc (09022015). Collection method: clinical testing. Allele origin: germline.
Comment: This sequence change replaces aspartic acid, which is acidic and polar, with valine, which is neutral and non-polar, at codon 243 of the CR2 protein (p.Asp243Val). This variant is present in population databases (rs368883636, gnomAD 0.09%). This variant has not been reported in the literature in individuals affected with CR2-related conditions. ClinVar contains an entry for this variant (Variation ID: 571680). Algorithms developed to predict the effect of missense changes on protein structure and function are either unavailable or do not agree on the potential impact of this missense change (SIFT: "Tolerated"; PolyPhen-2: "Possibly Damaging"; Align-GVGD: "Class C0"). In summary, the available evidence is currently insufficient to determine the role of this variant in disease. Therefore, it has been classified as a Variant of Uncertain Significance.